The following is an entry in ClinVar:

NM_022132.5(MCCC2):c.455A>C (p.Lys152Thr)

Gene: MCCC2 (methylcrotonyl-CoA carboxylase subunit 2; plus strand). Cytogenetic location: 5q13.2.
Variant type: single nucleotide variant.
Coding change: c.455A>C on transcript NM_022132.5 (MANE Select); coding-DNA position 455, A replaced by C.
Protein change: p.Lys152Thr; replaces lysine 152 with threonine.
Molecular consequence: missense variant.
Genome position (GRCh38, 1-based): chr5:71,602,577, A>C. VCF-style: chr5-71602577-A-C. GRCh37 (hg19) VCF-style: chr5-70898404-A-C.
Other names: c.455A>C, p.Lys152Thr (NM_001363147.1); short protein forms K152T.
Identifiers: ClinVar variation 535828 (VCV000535828.5), dbSNP rs1554134065, ClinGen allele CA360010726.

ClinVar aggregate classification (germline): Uncertain significance. Review status: criteria provided, multiple submitters, no conflicts (2 of 4 stars). 2 submissions from 2 submitters: Uncertain significance (2). Last evaluated 2023-04-25.

Conditions:
3-methylcrotonyl-CoA carboxylase 2 deficiency. Also called: METHYLCROTONYLGLYCINURIA, TYPE II; 3 alpha methylcrotonyl-CoA carboxylase 2 deficiency; 3 alpha methylcrotonylglycinuria 2; MCC 2 deficiency; Methylcrotonylglycinuria type 2. Identifiers: Orphanet 6, MedGen C1859499, MONDO:0008862, OMIM 210210.

gnomAD v4.1: 3 of 1,614,184 alleles (0.00019%); highest among the groups gnomAD compares: Non-Finnish European, 0.00017%; no homozygotes.

Submissions (2):

Women's Health and Genetics/Laboratory Corporation of America, LabCorp
Classification: Uncertain significance. Last evaluated: 2023-04-25. Review status: criteria provided, single submitter. Criteria: LabCorp Variant Classification Summary - May 2015. Collection method: clinical testing. Allele origin: germline.
Comment: Variant summary: MCCC2 c.455A>C (p.Lys152Thr) results in a non-conservative amino acid change located in the Acetyl-coenzyme A carboxyltransferase, N-terminal domain of the encoded protein sequence. Five of five in-silico tools predict a damaging effect of the variant on protein function. The variant was absent in 251482 control chromosomes. The available data on variant occurrences in the general population are insufficient to allow any conclusion about variant significance. c.455A>C has been reported in the literature in at least one asymptomatic individual with Methylcrotonyl-CoA Carboxylase Deficiency (Grunert_2012). This report does not provide unequivocal conclusions about association of the variant with Methylcrotonyl-CoA Carboxylase Deficiency. To our knowledge, no experimental evidence demonstrating an impact on protein function has been reported. The following publications have been ascertained in the context of this evaluation (PMID: 27601257, 22642865). One clinical diagnostic laboratory has submitted clinical-significance assessments for this variant to ClinVar after 2014 without evidence for independent evaluation and classified the variant as uncertain significance. Based on the evidence outlined above, the variant was classified as uncertain significance.

Labcorp Genetics (formerly Invitae), Labcorp
Classification: Uncertain significance for 3-methylcrotonyl-CoA carboxylase 2 deficiency. Last evaluated: 2021-08-31. Review status: criteria provided, single submitter. Criteria: Invitae Variant Classification Sherloc (09022015). Collection method: clinical testing. Allele origin: germline.

Literature cited by the submitters: PubMed 27601257 (cited by Women's Health and Genetics/Laboratory Corporation of America, LabCorp); PubMed 22642865 (cited by Women's Health and Genetics/Laboratory Corporation of America, LabCorp).